The following is an entry in ClinVar:

ClinVar aggregate classification (germline): Likely benign (1 of 4 stars; one submission).

Conditions:
PCNT-related disorder. Also called: PCNT-related condition.

gnomAD v4.1: 5 of 1,612,518 alleles (0.00031%); highest among the groups gnomAD compares: Non-Finnish European, 0.00042%; no homozygotes.

Submission:

PreventionGenetics, part of Exact Sciences
Classification: Likely benign for PCNT-related condition. Last evaluated: 2025-08-25. Review status: criteria provided, single submitter. Criteria: ACMG Guidelines, 2015. Collection method: clinical testing. Allele origin: germline.
Comment: This variant is classified as likely benign based on ACMG/AMP sequence variant interpretation guidelines (Richards et al. 2015 PMID: 25741868, with internal and published modifications).

NM_006031.6(PCNT):c.8238C>T (p.Asp2746=)

Gene: PCNT (pericentrin; plus strand). Cytogenetic location: 21q22.3.
Variant type: single nucleotide variant.
Coding change: c.8238C>T on transcript NM_006031.6 (MANE Select); coding-DNA position 8238, C replaced by T.
Protein change: p.Asp2746=; no amino-acid change (aspartic acid 2746 retained).
Molecular consequence: synonymous variant.
Genome position (GRCh38, 1-based): chr21:46,431,702, C>T. VCF-style: chr21-46431702-C-T. GRCh37 (hg19) VCF-style: chr21-47851616-C-T.
Other names: c.7884C>T, p.Asp2628= (NM_001315529.2).
Identifiers: ClinVar variation 4990996 (VCV004990996.1).
Genomic context (GRCh38, chr21:46,431,702, plus strand): 5'-CTCACGCTGCGAGGCCTTGCTGGCTCAGGAGCGGAGCCAGCTCTCTGAGCTCCAGAAGGA[C>T]CTTGCGGCTGAGAAGAGCCGCACCCTGGAGCTGTCAGAGGCCTTGCGGCACGAGCGGCTC-3'
Protein context (NP_006022.3, residues 2736-2756): ERSQLSELQK[Asp2746=]LAAEKSRTLE